The following is an entry in ClinVar:

ClinVar aggregate classification (germline): Uncertain significance (1 of 4 stars; one submission).

gnomAD v4.1: 1 of 1,606,210 alleles (0.000062%); highest among the groups gnomAD compares: East Asian, 0.0022%; no homozygotes.

Submission:

Women's Health and Genetics/Laboratory Corporation of America, LabCorp
Classification: Uncertain significance. Last evaluated: 2026-05-04. Review status: criteria provided, single submitter. Criteria: LabCorp Variant Classification Summary - May 2015. Collection method: clinical testing. Allele origin: germline.
Comment: Variant summary: PKD1 c.2621G>T (p.Cys874Phe) results in a non-conservative amino acid change in the encoded protein sequence. Algorithms developed to predict the effect of missense changes on protein structure and function all suggest that this variant is likely to be disruptive. The variant was absent in 241564 control chromosomes. The available data on variant occurrences in the general population are insufficient to allow any conclusion about variant significance. This missense variant was observed in the presumed heterozygous state in at least 1 individual from a cohort with ADPKD (however, genotypes weren't parsed by individual) (example, Elhassan_2025). To our knowledge, no experimental evidence demonstrating its impact on protein function has been reported. The following publication has been ascertained in the context of this evaluation (PMID: 39883360). No submitters have cited clinical-significance assessments for this variant to ClinVar. Based on the evidence outlined above, the variant was classified as uncertain significance.

Literature cited by the submitters: PubMed 39883360.

NM_001009944.3(PKD1):c.2621G>T (p.Cys874Phe)

Gene: PKD1 (polycystin 1, transient receptor potential channel interacting; minus strand). Cytogenetic location: 16p13.3.
Variant type: single nucleotide variant.
Coding change: c.2621G>T on transcript NM_001009944.3 (MANE Select); coding-DNA position 2621, G replaced by T.
Protein change: p.Cys874Phe; replaces cysteine 874 with phenylalanine.
Molecular consequence: missense variant.
Genome position (GRCh38, 1-based): chr16:2,114,402, C>A on the plus strand (G>T on the coding strand, the complement: PKD1 is on the minus strand). VCF-style: chr16-2114402-C-A. GRCh37 (hg19) VCF-style: chr16-2164403-C-A.
Other names: c.2621G>T, p.Cys874Phe (NM_000296.4); short protein forms C874F.
Identifiers: ClinVar variation 4853597 (VCV004853597.1).